The following is an entry in ClinVar:

ClinVar aggregate classification (germline): Uncertain significance (1 of 4 stars; one submission).

Conditions:
CHARGE syndrome (CHARGE). Also called: Hittner Hirsch Kreh syndrome; CHARGE ASSOCIATION--COLOBOMA, HEART ANOMALY, CHOANAL ATRESIA, RETARDATION, GENITAL AND EAR ANOMALIES; Coloboma, heart anomaly, choanal atresia, retardation, genital and ear anomalies; CHARGE association; Hall-Hittner syndrome. Identifiers: Orphanet 138, MedGen C0265354, MONDO:0008965.

Allele frequency attached by ClinVar (database versions not stated): TOPMed below 0.00001; gnomAD exomes 0.00001.
gnomAD v4.1: 14 of 1,609,492 alleles (0.00087%); highest among the groups gnomAD compares: Non-Finnish European, 0.0012%; no homozygotes.

Submission:

Labcorp Genetics (formerly Invitae), Labcorp
Classification: Uncertain significance for CHARGE syndrome. Last evaluated: 2024-06-23. Review status: criteria provided, single submitter. Criteria: Invitae Variant Classification Sherloc (09022015). Collection method: clinical testing. Allele origin: germline.
Comment: This sequence change replaces asparagine, which is neutral and polar, with serine, which is neutral and polar, at codon 604 of the CHD7 protein (p.Asn604Ser). This variant is not present in population databases (gnomAD no frequency). This variant has not been reported in the literature in individuals affected with CHD7-related conditions. ClinVar contains an entry for this variant (Variation ID: 1392881). Advanced modeling of protein sequence and biophysical properties (such as structural, functional, and spatial information, amino acid conservation, physicochemical variation, residue mobility, and thermodynamic stability) performed at Invitae indicates that this missense variant is not expected to disrupt CHD7 protein function with a negative predictive value of 95%. In summary, the available evidence is currently insufficient to determine the role of this variant in disease. Therefore, it has been classified as a Variant of Uncertain Significance.

NM_017780.4(CHD7):c.1811A>G (p.Asn604Ser)

Genes: CHD7 (chromodomain helicase DNA binding protein 7; plus strand), LOC126860403 (CDK7 strongly-dependent group 2 enhancer GRCh37_chr8:61693034-61694233; plus strand). Cytogenetic location: 8q12.2.
Variant type: single nucleotide variant.
Coding change: c.1811A>G on transcript NM_017780.4 (MANE Select); coding-DNA position 1811, A replaced by G.
Protein change: p.Asn604Ser; replaces asparagine 604 with serine.
Molecular consequence: missense variant. On other transcripts: intron variant (1).
Genome position (GRCh38, 1-based): chr8:60,781,145, A>G. VCF-style: chr8-60781145-A-G. GRCh37 (hg19) VCF-style: chr8-61693704-A-G.
Other names: c.1716+95A>G (NM_001316690.1); short protein forms N604S.
Identifiers: ClinVar variation 1392881 (VCV001392881.8), dbSNP rs1811204503, ClinGen allele CA371312170.